The following is an entry in ClinVar:

NM_001042492.3(NF1):c.4922T>G (p.Ile1641Ser)

Gene: NF1 (neurofibromin 1; plus strand). Cytogenetic location: 17q11.2.
Variant type: single nucleotide variant.
Coding change: c.4922T>G on transcript NM_001042492.3 (MANE Select); coding-DNA position 4922, T replaced by G.
Protein change: p.Ile1641Ser; replaces isoleucine 1641 with serine.
Molecular consequence: missense variant.
Genome position (GRCh38, 1-based): chr17:31,325,906, T>G. VCF-style: chr17-31325906-T-G. GRCh37 (hg19) VCF-style: chr17-29652924-T-G.
Other names: c.4859T>G, p.Ile1620Ser (NM_000267.4); short protein forms I1641S, I1620S.
Identifiers: ClinVar variation 3634567 (VCV003634567.2).

ClinVar aggregate classification (germline): Uncertain significance (1 of 4 stars; one submission).

Conditions:
Neurofibromatosis, type 1 (NF1). Also called: VON RECKLINGHAUSEN DISEASE; Peripheral type neurofibromatosis; NEUROFIBROMATOSIS, TYPE I, SOMATIC; Neurofibromatosis, type I. Identifiers: Orphanet 636, MedGen C0027831, MONDO:0018975, OMIM 162200. Disease mechanism: loss of function.

Submission:

Labcorp Genetics (formerly Invitae), Labcorp
Classification: Uncertain significance for Neurofibromatosis, type 1. Last evaluated: 2024-11-12. Review status: criteria provided, single submitter. Criteria: Invitae Variant Classification Sherloc (09022015). Collection method: clinical testing. Allele origin: germline.
Comment: This sequence change replaces isoleucine, which is neutral and non-polar, with serine, which is neutral and polar, at codon 1620 of the NF1 protein (p.Ile1620Ser). This variant is not present in population databases (gnomAD no frequency). This variant has not been reported in the literature in individuals affected with NF1-related conditions. Invitae Evidence Modeling of protein sequence and biophysical properties (such as structural, functional, and spatial information, amino acid conservation, physicochemical variation, residue mobility, and thermodynamic stability) indicates that this missense variant is expected to disrupt NF1 protein function with a positive predictive value of 95%. This variant disrupts the p.Ile1620 amino acid residue in NF1. Other variant(s) that disrupt this residue have been determined to be pathogenic (PMID: 30014477). This suggests that this residue is clinically significant, and that variants that disrupt this residue are likely to be disease-causing. In summary, the available evidence is currently insufficient to determine the role of this variant in disease. Therefore, it has been classified as a Variant of Uncertain Significance.

Literature cited by the submitters: PubMed 30014477.